The following is an entry in ClinVar:

NM_006904.7(PRKDC):c.10532C>T (p.Ala3511Val)

Gene: PRKDC (protein kinase, DNA-activated, catalytic subunit; minus strand). Cytogenetic location: 8q11.21.
Variant type: single nucleotide variant.
Coding change: c.10532C>T on transcript NM_006904.7 (MANE Select); coding-DNA position 10532, C replaced by T.
Protein change: p.Ala3511Val; replaces alanine 3511 with valine.
Molecular consequence: missense variant.
Genome position (GRCh38, 1-based): chr8:47,794,428, G>A on the plus strand (C>T on the coding strand, the complement: PRKDC is on the minus strand). VCF-style: chr8-47794428-G-A. GRCh37 (hg19) VCF-style: chr8-48706989-G-A.
Other names: c.10532C>T, p.Ala3511Val (NM_001081640.2); short protein forms A3511V.
Identifiers: ClinVar variation 1777684 (VCV001777684.3), dbSNP rs2551862022, ClinGen allele CA371134100.

ClinVar aggregate classification (germline): Uncertain significance (1 of 4 stars; one submission).

Allele frequency attached by ClinVar (database versions not stated): gnomAD exomes below 0.00001.
gnomAD v4.1: 1 of 1,613,742 alleles (0.000062%); highest among the groups gnomAD compares: Non-Finnish European, 0.000085%; no homozygotes.

Submission:

Ambry Genetics
Classification: Uncertain significance. Last evaluated: 2022-10-31. Review status: criteria provided, single submitter. Criteria: Ambry Variant Classification Scheme 2023. Collection method: clinical testing. Allele origin: germline.
Comment: The p.A3511V variant (also known as c.10532C>T), located in coding exon 74 of the PRKDC gene, results from a C to T substitution at nucleotide position 10532. The alanine at codon 3511 is replaced by valine, an amino acid with similar properties. This amino acid position is conserved. Since supporting evidence is limited at this time, the clinical significance of this alteration remains unclear.